The following is an entry in ClinVar:

NM_001009944.3(PKD1):c.11635_11676del (p.Ala3879_Arg3892del)

Genes: PKD1 (polycystin 1, transient receptor potential channel interacting; minus strand), PKD1-AS1 (PKD1 antisense RNA 1; plus strand). Cytogenetic location: 16p13.3.
Variant type: Deletion.
Coding change: c.11635_11676del on transcript NM_001009944.3 (MANE Select); coding-DNA positions 11635 to 11676, 42 bases deleted.
Protein change: p.Ala3879_Arg3892del.
Molecular consequence: inframe deletion. On other transcripts: non-coding transcript variant (1), inframe indel (1).
Genome position (GRCh38, 1-based): chr16:2,091,459-2,091,500, 42 bases deleted; deleting any 42 consecutive bases within chr16:2,091,459-2,091,505 gives the same sequence; the c. name uses the placement nearest the transcript's 3' end. GRCh37 (hg19): chr16:2,141,465-2,141,506.
Other names: c.11632_11673del, p.Ala3878_Arg3891del (NM_000296.4); c.11635_11676del42 (NM_001009944.2).
Identifiers: ClinVar variation 4990860 (VCV004990860.1).

ClinVar aggregate classification (germline): Uncertain significance (1 of 4 stars; one submission).

Conditions:
PKD1-related disorder. Also called: PKD1-related condition.

Submission:

PreventionGenetics, part of Exact Sciences
Classification: Uncertain significance for PKD1-related condition. Last evaluated: 2026-06-24. Review status: criteria provided, single submitter. Criteria: ACMG Guidelines, 2015. Collection method: clinical testing. Allele origin: germline.
Comment: The PKD1 c.11635_11676del42 variant is predicted to result in an in-frame deletion (p.Ala3879_Arg3892del). To our knowledge, this variant has not been reported in the literature or in a large population database (gnomAD), indicating this variant is rare. A similar in-frame change of adjacent amino acids (c.11662_11676del) has been reported an individual affected with a PKD1-related disorder (Yan et al. 2022. PubMed ID: 36186434). Although we suspect that this variant may be pathogenic, at this time, the clinical significance of this variant is uncertain due to the absence of conclusive functional and genetic evidence.